The following is an entry in ClinVar:

NM_000540.3(RYR1):c.10490_10491insCCCC (p.Lys3497fs)

Gene: RYR1 (ryanodine receptor 1; plus strand). Cytogenetic location: 19q13.2.
Variant type: Insertion.
Coding change: c.10490_10491insCCCC on transcript NM_000540.3 (MANE Select); coding-DNA positions 10490 to 10491, CCCC inserted.
Protein change: p.Lys3497fs; shifts the reading frame from lysine 3497.
Molecular consequence: frameshift variant.
Genome position: GRCh38 VCF-style: chr19-38525366-A-ACCCC. GRCh37 (hg19) VCF-style: chr19-39016006-A-ACCCC.
Other names: c.10475_10476insCCCC, p.Lys3492fs (NM_001042723.2); short protein forms K3492fs, K3497fs.
Identifiers: ClinVar variation 3385534 (VCV003385534.1).

ClinVar aggregate classification (germline): Uncertain significance (1 of 4 stars; one submission).

Conditions:
Malignant hyperthermia, susceptibility to, 1 (MHS1). Also called: Anesthesia related hyperthermia; Malignant hyperpyrexia; Fulminating hyperpyrexia; Pharmacogenic myopathy; Malignant hyperthermia suceptibility 1; RYR1-Related Malignant Hyperthermia Susceptibility. Identifiers: Orphanet 423, MedGen C2930980, MONDO:0007783, OMIM 145600.

Submission:

All of Us Research Program, National Institutes of Health
Classification: Uncertain significance for Malignant hyperthermia, susceptibility to, 1. Last evaluated: 2024-09-27. Review status: criteria provided, single submitter. Criteria: ACMG Guidelines, 2015. Collection method: clinical testing. Allele origin: germline. Inheritance: Autosomal dominant inheritance. Observed: 1 variant allele, 1 heterozygote.
Comment: This pathogenicity assessment is for autosomal dominant malignant hyperthermia susceptibility phenotype. This frameshift variant is predicted to result in an absent RYR1 protein product. Loss of RYR1 function due to haploinsufficiency is associated with congenital myopathy, but it is not an established disease mechanism for autosomal dominant malignant hyperthermia susceptibility. Therefore, this variant is classified as a Variant of Uncertain Significance for malignant hyperthermia susceptibility.

This study involves interpretation of variants in research participants for the purpose of population health screening. Participant phenotype was not available at the time of variant classification. Additional details can be found in publication PMID: 35346344, PMCID: PMC8962531